The following is an entry in ClinVar:

NC_000004.11:g.(?_151719213)_(151753148_?)del

Gene: LRBA (LPS responsive beige-like anchor protein; minus strand). Cytogenetic location: 4q31.3.
Variant type: Deletion.
Identifiers: ClinVar variation 1446557 (VCV001446557.4).

ClinVar aggregate classification (germline): Uncertain significance (1 of 4 stars; one submission).

Conditions:
Combined immunodeficiency due to LRBA deficiency. Also called: Common variable immunodeficiency 8, with autoimmunity. Identifiers: Orphanet 445018, MedGen C3553512, MONDO:0013863, OMIM 614700.

Submission:

Labcorp Genetics (formerly Invitae), Labcorp
Classification: Uncertain significance for Combined immunodeficiency due to LRBA deficiency. Last evaluated: 2023-08-30. Review status: criteria provided, single submitter. Criteria: Invitae Variant Classification Sherloc (09022015). Collection method: clinical testing. Allele origin: germline.
Comment: In summary, the available evidence is currently insufficient to determine the role of this variant in disease. Therefore, it has been classified as a Variant of Uncertain Significance. Experimental studies and prediction algorithms are not available or were not evaluated, and the functional significance of this variant is currently unknown. This variant has not been reported in the literature in individuals affected with LRBA-related conditions. This variant is a gross deletion of the genomic region encompassing exon(s) 29-34 of the LRBA gene. This variant would be expected to be in-frame, preserving the integrity of the reading frame.